The following is an entry in ClinVar:

ClinVar aggregate classification (germline): Uncertain significance (1 of 4 stars; one submission).

Conditions:
Compton-North congenital myopathy (CMYO12). Identifiers: Orphanet 210163, MedGen C2675527, MONDO:0012929, OMIM 612540.

Allele frequency attached by ClinVar (database versions not stated): gnomAD exomes below 0.00001; ExAC 0.00001.
gnomAD v4.1: 1 of 1,614,072 alleles (0.000062%); highest among the groups gnomAD compares: Non-Finnish European, 0.000085%; no homozygotes.

Submission:

Labcorp Genetics (formerly Invitae), Labcorp
Classification: Uncertain significance for Compton-North congenital myopathy. Last evaluated: 2022-06-27. Review status: criteria provided, single submitter. Criteria: Invitae Variant Classification Sherloc (09022015). Collection method: clinical testing. Allele origin: germline.
Comment: In summary, the available evidence is currently insufficient to determine the role of this variant in disease. Therefore, it has been classified as a Variant of Uncertain Significance. This sequence change replaces proline, which is neutral and non-polar, with leucine, which is neutral and non-polar, at codon 1008 of the CNTN1 protein (p.Pro1008Leu). The frequency data for this variant in the population databases is considered unreliable, as metrics indicate poor data quality at this position in the gnomAD database. This variant has not been reported in the literature in individuals affected with CNTN1-related conditions. Advanced modeling of protein sequence and biophysical properties (such as structural, functional, and spatial information, amino acid conservation, physicochemical variation, residue mobility, and thermodynamic stability) performed at Invitae indicates that this missense variant is not expected to disrupt CNTN1 protein function.

NM_001843.4(CNTN1):c.3023C>T (p.Pro1008Leu)

Gene: CNTN1 (contactin 1; plus strand). Cytogenetic location: 12q12.
Variant type: single nucleotide variant.
Coding change: c.3023C>T on transcript NM_001843.4 (MANE Select); coding-DNA position 3023, C replaced by T.
Protein change: p.Pro1008Leu; replaces proline 1008 with leucine.
Molecular consequence: missense variant.
Genome position (GRCh38, 1-based): chr12:41,070,001, C>T. VCF-style: chr12-41070001-C-T. GRCh37 (hg19) VCF-style: chr12-41463803-C-T.
Other names: c.2990C>T, p.Pro997Leu (NM_175038.2); short protein forms P1008L, P997L.
Identifiers: ClinVar variation 1359867 (VCV001359867.8), dbSNP rs768617895, ClinGen allele CA6517291.
Genomic context (GRCh38, chr12:41,070,001, plus strand): 5'-TTTTGGTTTACCTTGCAGGTGCACCCACCCTATCCCCAAGTCTTCTCGGCTTACTGCTGC[C>T]TGCCTTTGGCATCCTTGTCTACTTGGAATTCTGAATGTGTTGTGACAGCTGCTGTTCCCA-3'
Protein context (NP_001834.2, residues 998-1018): LSPSLLGLLL[Pro1008Leu]AFGILVYLEF